The following is an entry in ClinVar:

NM_006567.5(FARS2):c.324G>A (p.Pro108=)

Genes: FARS2 (phenylalanyl-tRNA synthetase 2, mitochondrial; plus strand), LOC126859565 (CDK7 strongly-dependent group 2 enhancer GRCh37_chr6:5368745-5369944; plus strand). Cytogenetic location: 6p25.1.
Variant type: single nucleotide variant.
Coding change: c.324G>A on transcript NM_006567.5 (MANE Select); coding-DNA position 324, G replaced by A.
Protein change: p.Pro108=; no amino-acid change (proline 108 retained).
Molecular consequence: synonymous variant. On other transcripts: intron variant (2).
Genome position (GRCh38, 1-based): chr6:5,368,894, G>A. VCF-style: chr6-5368894-G-A. GRCh37 (hg19) VCF-style: chr6-5369127-G-A.
Other names: c.324G>A, p.Pro108= (NM_001318872.2, NM_001374875.1, NM_001374876.1 and 5 more transcripts); c.-340-27739G>A (NM_001375260.1); c.-84-35648G>A (NM_001375259.1).
Identifiers: ClinVar variation 385434 (VCV000385434.32), dbSNP rs139618748, ClinGen allele CA3623626.

ClinVar aggregate classification (germline): Likely benign. Review status: criteria provided, multiple submitters, no conflicts (2 of 4 stars). 4 submissions from 4 submitters: Likely benign (4). Last evaluated 2026-07-01.

Conditions:
Combined oxidative phosphorylation defect type 14. Also called: Combined oxidative phosphorylation deficiency 14. Identifiers: Orphanet 319519, MedGen C4755312, MONDO:0013986, OMIM 614946.

Allele frequency attached by ClinVar (database versions not stated): TOPMed 0.00013; ESP Exome Variant Server 0.00015; ExAC 0.00002; gnomAD exomes 0.00007 and 0.00028; gnomAD 0.00017; 1000 Genomes Project 0.00020; 1000 Genomes Project 30x 0.00031.
gnomAD v4.1: 432 of 1,614,132 alleles (0.027%); highest among the groups gnomAD compares: Non-Finnish European, 0.035%; no homozygotes.

Submissions (4):

CeGaT Center for Human Genetics Tuebingen
Classification: Likely benign. Last evaluated: 2026-07-01. Review status: criteria provided, single submitter. Criteria: CeGaT Center For Human Genetics Tuebingen Variant Classification Criteria Version 2. Collection method: clinical testing. Allele origin: germline. Affected: yes. Observed: 3 variant alleles.
Comment: FARS2: BP4, BP7

Labcorp Genetics (formerly Invitae), Labcorp
Classification: Likely benign for Combined oxidative phosphorylation defect type 14. Last evaluated: 2025-06-02. Review status: criteria provided, single submitter. Criteria: Invitae Variant Classification Sherloc (09022015). Collection method: clinical testing. Allele origin: germline.

Blueprint Genetics
Classification: Likely benign. Last evaluated: 2024-04-11. Review status: criteria provided, single submitter. Criteria: ACMG Guidelines, 2015. Collection method: clinical testing. Allele origin: germline.

GeneDx
Classification: Likely benign. Last evaluated: 2019-11-19. Review status: criteria provided, single submitter. Criteria: GeneDx Variant Classification Process June 2021. Collection method: clinical testing. Allele origin: germline. Affected: yes.